The following is an entry in ClinVar:

ClinVar aggregate classification (germline): Uncertain significance (1 of 4 stars; one submission).

Conditions:
Baller-Gerold syndrome (BGS). Also called: CRANIOSYNOSTOSIS WITH RADIAL DEFECTS. Identifiers: Orphanet 1225, MedGen C0265308, MONDO:0009039, OMIM 218600.

Submission:

Labcorp Genetics (formerly Invitae), Labcorp
Classification: Uncertain significance for Baller-Gerold syndrome. Last evaluated: 2023-03-19. Review status: criteria provided, single submitter. Criteria: Invitae Variant Classification Sherloc (09022015). Collection method: clinical testing. Allele origin: germline.
Comment: In summary, the available evidence is currently insufficient to determine the role of this variant in disease. Therefore, it has been classified as a Variant of Uncertain Significance. Variants that disrupt the consensus splice site are a relatively common cause of aberrant splicing (PMID: 17576681, 9536098). Algorithms developed to predict the effect of sequence changes on RNA splicing suggest that this variant is not likely to affect RNA splicing. This variant is not present in population databases (gnomAD no frequency). This sequence change falls in intron 3 of the RECQL4 gene. It does not directly change the encoded amino acid sequence of the RECQL4 protein. It affects a nucleotide within the consensus splice site. This variant has not been reported in the literature in individuals affected with RECQL4-related conditions.

Literature cited by the submitters: PubMed 17576681; PubMed 9536098.

NM_004260.4(RECQL4):c.213+4C>A

Gene: RECQL4 (RecQ like helicase 4; minus strand). Cytogenetic location: 8q24.3.
Variant type: single nucleotide variant.
Coding change: c.213+4C>A on transcript NM_004260.4 (MANE Select); 4 bases into the intron after coding-DNA position 213, C replaced by A.
Molecular consequence: intron variant.
Genome position (GRCh38, 1-based): chr8:144,517,410, G>T on the plus strand (C>A on the coding strand, the complement: RECQL4 is on the minus strand). VCF-style: chr8-144517410-G-T. GRCh37 (hg19) VCF-style: chr8-145742794-G-T.
Other names: c.85-220C>A (NM_001413025.1); c.213+4C>A (NM_001413029.1, NM_001413017.1, NM_001413020.1 and 5 more transcripts); c.-818+4C>A (NM_001413032.1); c.-756+4C>A (NM_001413035.1, NM_001413024.1); c.-921+4C>A (NM_001413027.1, NM_001413031.1, NM_001413030.1 and 1 more transcripts); c.-859+192C>A (NM_001413040.1); c.-508+4C>A (NM_001413021.1); c.-584+4C>A (NM_001413028.1); and 3 more.
Identifiers: ClinVar variation 3014231 (VCV003014231.3), dbSNP rs768769944, ClinGen allele CA2689129100.